The following is an entry in ClinVar:

NM_144628.4(TBC1D20):c.75del (p.Phe25fs)

Gene: TBC1D20 (TBC1 domain family member 20; minus strand). Cytogenetic location: 20p13.
Variant type: Deletion.
Coding change: c.75del on transcript NM_144628.4 (MANE Select); coding-DNA position 75, one base deleted (T; older notation c.75delT).
Protein change: p.Phe25fs; shifts the reading frame from phenylalanine 25.
Molecular consequence: frameshift variant. On other transcripts: non-coding transcript variant (1).
Genome position (GRCh38, 1-based): chr20:448,070, A deleted on the plus strand (T on the coding strand, the reverse complement: TBC1D20 is on the minus strand); the first of 3 consecutive A bases (chr20:448,070-448,072); deleting any one gives the same sequence. VCF-style (leftmost placement, unchanged base first): chr20-448069-TA-T. GRCh37 (hg19) VCF-style: chr20-428713-TA-T.
Other names: short protein forms F25fs.
Identifiers: ClinVar variation 4854094 (VCV004854094.1).

ClinVar aggregate classification (germline): Pathogenic (1 of 4 stars; one submission).

Conditions:
Warburg micro syndrome 4 (WARBM4). Identifiers: Orphanet 2510, MedGen C3810265, MONDO:0014296, OMIM 615663.

Submission:

3billion
Classification: Pathogenic for Warburg micro syndrome 4. Last evaluated: 2025-08-19. Review status: criteria provided, single submitter. Criteria: ACMG Guidelines, 2015. Collection method: clinical testing. Allele origin: germline. Affected: yes.
Comment: The variant is not observed in the gnomAD v4.1.0 dataset. Predicted Consequence/Location: Frameshift: predicted to result in a loss or disruption of normal protein function through nonsense-mediated decay (NMD) or protein truncation. Multiple pathogenic variants are reported downstream of the variant. Therefore, this variant is classified as Pathogenic according to the recommendation of ACMG/AMP guideline.